The following is an entry in ClinVar:

ClinVar aggregate classification (germline): Benign (0 of 4 stars; one submission).

Conditions:
ZNF589-related disorder. Also called: ZNF589-related condition.

Allele frequency attached by ClinVar (database versions not stated): 1000 Genomes Project 0.23542; 1000 Genomes Project 30x 0.24172; ExAC 0.26665; gnomAD 0.27508; TOPMed 0.27893; ESP Exome Variant Server 0.29561; gnomAD exomes 0.29954.
gnomAD v4.1: 479,604 of 1,612,396 alleles (30%); highest among the groups gnomAD compares: Non-Finnish European, 31%; 74,108 homozygotes.

Submission:

PreventionGenetics, part of Exact Sciences
Classification: Benign for ZNF589-related condition. Last evaluated: 2019-10-25. Review status: no assertion criteria provided. Collection method: clinical testing. Allele origin: germline.
Comment: This variant is classified as benign based on ACMG/AMP sequence variant interpretation guidelines (Richards et al. 2015 PMID: 25741868, with internal and published modifications).

NM_016089.3(ZNF589):c.34A>G (p.Thr12Ala)

Genes: ZNF589 (zinc finger protein 589; plus strand), LOC112935945 (Sharpr-MPRA regulatory region 9849; plus strand). Cytogenetic location: 3p21.31.
Variant type: single nucleotide variant.
Coding change: c.34A>G on transcript NM_016089.3 (MANE Select); coding-DNA position 34, A replaced by G.
Protein change: p.Thr12Ala; replaces threonine 12 with alanine.
Molecular consequence: missense variant.
Genome position (GRCh38, 1-based): chr3:48,241,205, A>G. VCF-style: chr3-48241205-A-G. GRCh37 (hg19) VCF-style: chr3-48282695-A-G.
Other names: short protein forms T12A.
Identifiers: ClinVar variation 3059438 (VCV003059438.2), dbSNP rs9847953, ClinGen allele CA2372468.